The following is an entry in ClinVar:

NM_000642.3(AGL):c.1533dup (p.Tyr512fs)

Gene: AGL (amylo-alpha-1,6-glucosidase and 4-alpha-glucanotransferase; plus strand). Cytogenetic location: 1p21.2.
Variant type: Duplication.
Coding change: c.1533dup on transcript NM_000642.3 (MANE Select); coding-DNA position 1533, one base duplicated (A; older notation c.1533dupA).
Protein change: p.Tyr512fs; shifts the reading frame from tyrosine 512.
Molecular consequence: frameshift variant.
Genome position (GRCh38, 1-based): chr1:99,877,750, A duplicated; the last of 6 consecutive A bases (chr1:99,877,745-99,877,750); duplicating any one gives the same sequence. VCF-style (leftmost placement, unchanged base first): chr1-99877744-G-GA. GRCh37 (hg19) VCF-style: chr1-100343300-G-GA.
Other names: c.1533dup, p.Tyr512Ilefs (NM_000028.3, NM_000643.3, NM_000644.3 and 2 more transcripts); c.1485dup, p.Tyr496Ilefs (NM_000646.3); c.1332dup, p.Tyr445Ilefs (NM_001425327.1); c.1329dup, p.Tyr444Ilefs (NM_001425328.1, NM_001425329.1); c.1155dup, p.Tyr386Ilefs (NM_001425332.1); c.1533dupA (NM_000642.2); c.1533dup (NM_000642.2); short protein forms Y512fs, Y496fs.
Identifiers: ClinVar variation 526563 (VCV000526563.11), dbSNP rs776733170, ClinGen allele CA966521.

ClinVar aggregate classification (germline): Pathogenic. Review status: criteria provided, multiple submitters, no conflicts (2 of 4 stars). 3 submissions from 3 submitters: Pathogenic (3). Last evaluated 2024-04-16.

Conditions:
Glycogen storage disease type III (GSD3). Also called: Cori disease; FORBES DISEASE. Identifiers: Orphanet 366, MedGen C0017922, MONDO:0009291, OMIM 232400.

Submissions (3):

Natera, Inc.
Classification: Pathogenic for Glycogen storage disease type III. Last evaluated: 2024-04-16. Review status: criteria provided, single submitter. Criteria: Natera Variant Classification Schema (03/2026). Collection method: clinical testing. Allele origin: germline.
Comment: The c.1533dupA variant in AGL is a frameshift variant predicted to shift the reading frame beginning at codon 512 and leads to a stop codon 3 codons downstream. This variant is expected to result in nonsense mediated decay, truncation, or a dysfunctional protein product. This variant is rare in the general population with a frequency below the threshold expected for the associated phenotype(s). This variant has been observed in one or more individuals affected with the associated recessive disease, as either homozygous or compound heterozygous with a second variant (PMID: 20490926). Given the available evidence, this variant is classified as Pathogenic.

Baylor Genetics
Classification: Pathogenic for Glycogen storage disease type III. Last evaluated: 2024-01-25. Review status: criteria provided, single submitter. Criteria: ACMG Guidelines, 2015. Collection method: clinical testing. Allele origin: unknown.

Labcorp Genetics (formerly Invitae), Labcorp
Classification: Pathogenic for Glycogen storage disease type III. Last evaluated: 2023-05-26. Review status: criteria provided, single submitter. Criteria: Invitae Variant Classification Sherloc (09022015). Collection method: clinical testing. Allele origin: germline.
Comment: For these reasons, this variant has been classified as Pathogenic. ClinVar contains an entry for this variant (Variation ID: 526563). This premature translational stop signal has been observed in individual(s) with glycogen storage disease type III (PMID: 20490926). This variant is present in population databases (rs776733170, gnomAD 0.002%). This sequence change creates a premature translational stop signal (p.Tyr512Ilefs*3) in the AGL gene. It is expected to result in an absent or disrupted protein product. Loss-of-function variants in AGL are known to be pathogenic (PMID: 19299494).

Literature cited by the submitters: PubMed 20490926 (cited by Natera, Inc. and Labcorp Genetics (formerly Invitae), Labcorp); PubMed 19299494 (cited by Labcorp Genetics (formerly Invitae), Labcorp).